The following is an entry in ClinVar:

ClinVar aggregate classification (germline): Uncertain significance (1 of 4 stars; one submission).

Allele frequency attached by ClinVar (database versions not stated): ExAC 0.00003; gnomAD 0.00005 and 0.00006; gnomAD exomes 0.00006; TOPMed 0.00011.
gnomAD v4.1: 28 of 1,575,860 alleles (0.0018%); highest among the groups gnomAD compares: Admixed American, 0.051%; no homozygotes.

Submission:

Labcorp Genetics (formerly Invitae), Labcorp
Classification: Uncertain significance. Last evaluated: 2025-06-16. Review status: criteria provided, single submitter. Criteria: Invitae Variant Classification Sherloc (09022015). Collection method: clinical testing. Allele origin: germline.
Comment: This sequence change falls in intron 25 of the LIG1 gene. It does not directly change the encoded amino acid sequence of the LIG1 protein. It affects a nucleotide within the consensus splice site. This variant is present in population databases (rs768157620, gnomAD 0.04%). This variant has not been reported in the literature in individuals affected with LIG1-related conditions. ClinVar contains an entry for this variant (Variation ID: 1001449). Variants that disrupt the consensus splice site are a relatively common cause of aberrant splicing (PMID: 17576681, 9536098). Algorithms developed to predict the effect of sequence changes on RNA splicing suggest that this variant is not likely to affect RNA splicing. In summary, the available evidence is currently insufficient to determine the role of this variant in disease. Therefore, it has been classified as a Variant of Uncertain Significance.

Literature cited by the submitters: PubMed 17576681; PubMed 9536098.

NM_000234.3(LIG1):c.2439+6C>A

Gene: LIG1 (DNA ligase 1; minus strand). Cytogenetic location: 19q13.33.
Variant type: single nucleotide variant.
Coding change: c.2439+6C>A on transcript NM_000234.3 (MANE Select); 6 bases into the intron after coding-DNA position 2439, C replaced by A.
Molecular consequence: intron variant.
Genome position (GRCh38, 1-based): chr19:48,119,131, G>T on the plus strand (C>A on the coding strand, the complement: LIG1 is on the minus strand). VCF-style: chr19-48119131-G-T. GRCh37 (hg19) VCF-style: chr19-48622388-G-T.
Other names: c.2346+6C>A (NM_001289063.2); c.2349+6C>A (NM_001320971.2); c.2235+6C>A (NM_001289064.2); c.2436+6C>A (NM_001320970.2).
Identifiers: ClinVar variation 1001449 (VCV001001449.5), dbSNP rs768157620, ClinGen allele CA9546417.